The following is an entry in ClinVar:

ClinVar aggregate classification (germline): Pathogenic/Likely pathogenic. Review status: criteria provided, multiple submitters, no conflicts (2 of 4 stars). 2 submissions from 2 submitters: Pathogenic (1); Likely pathogenic (1). Last evaluated 2025-03-25.

Conditions:
Ellis-van Creveld syndrome (EVC). Also called: MESOECTODERMAL DYSPLASIA; EVC-Related Ellis-van Creveld Syndrome; EVC2-Related Ellis-van Creveld Syndrome; Chondroectodermal dysplasia. Identifiers: Orphanet 289, MedGen C0013903, MONDO:0009162, OMIM 225500.
Curry-Hall syndrome (WAD). Also called: WEYERS ACRODENTAL DYSOSTOSIS. Identifiers: Orphanet 952, MedGen C0457013, MONDO:0008673, OMIM 193530.

Allele frequency attached by ClinVar (database versions not stated): gnomAD exomes below 0.00001.
gnomAD v4.1: 1 of 1,614,034 alleles (0.000062%); highest among the groups gnomAD compares: African/African-American, 0.0013%; no homozygotes.

Submissions (2):

Natera, Inc.
Classification: Pathogenic for Ellis-van Creveld syndrome. Last evaluated: 2025-03-25. Review status: criteria provided, single submitter. Criteria: Natera Variant Classification Schema (03/2026). Collection method: clinical testing. Allele origin: germline.
Comment: The c.1098+1G>A variant in EVC is a canonical splice donor site variant predicted to affect pre-mRNA splicing, which may result in an abnormal transcript and altered protein product. This variant may result in a truncated or dysfunctional protein product. This variant is rare in the general population with a frequency below the threshold expected for the associated phenotype(s). This variant has been observed in one or more individuals affected with the associated recessive disease, as either homozygous or compound heterozygous with a second variant (PMID: 18454448, 19810119). Functional studies show that this variant may disrupt protein function (PMID: 19810119). Given the available evidence, this variant is classified as Pathogenic.

Labcorp Genetics (formerly Invitae), Labcorp
Classification: Likely pathogenic for Curry-Hall syndrome; Ellis-van Creveld syndrome. Last evaluated: 2023-06-07. Review status: criteria provided, single submitter. Criteria: Invitae Variant Classification Sherloc (09022015). Collection method: clinical testing. Allele origin: germline.
Comment: In summary, the currently available evidence indicates that the variant is pathogenic, but additional data are needed to prove that conclusively. Therefore, this variant has been classified as Likely Pathogenic. Algorithms developed to predict the effect of sequence changes on RNA splicing suggest that this variant may disrupt the consensus splice site. ClinVar contains an entry for this variant (Variation ID: 2203511). Disruption of this splice site has been observed in individual(s) with Ellis-van Creveld syndrome (PMID: 18454448). This variant is not present in population databases (gnomAD no frequency). This sequence change affects a donor splice site in intron 8 of the EVC gene. It is expected to disrupt RNA splicing. Variants that disrupt the donor or acceptor splice site typically lead to a loss of protein function (PMID: 16199547), and loss-of-function variants in EVC are known to be pathogenic (PMID: 23220543).

Literature cited by the submitters: PubMed 18454448 (cited by Natera, Inc. and Labcorp Genetics (formerly Invitae), Labcorp); PubMed 19810119 (cited by Natera, Inc.); PubMed 16199547 (cited by Labcorp Genetics (formerly Invitae), Labcorp); PubMed 23220543 (cited by Labcorp Genetics (formerly Invitae), Labcorp).

NM_153717.3(EVC):c.1098+1G>A

Gene: EVC (EvC ciliary complex subunit 1; plus strand). Cytogenetic location: 4p16.2.
Variant type: single nucleotide variant.
Coding change: c.1098+1G>A on transcript NM_153717.3 (MANE Select); the canonical splice donor site of the intron after coding-DNA position 1098, G replaced by A.
Molecular consequence: splice donor variant.
Genome position (GRCh38, 1-based): chr4:5,748,307, G>A. VCF-style: chr4-5748307-G-A. GRCh37 (hg19) VCF-style: chr4-5750034-G-A.
Other names: c.1098+1G>A (NM_001306090.2, NM_001306092.2, NM_153717.2).
Identifiers: ClinVar variation 2203511 (VCV002203511.5), dbSNP rs1729681346, ClinGen allele CA356152083.
Genomic context (GRCh38, chr4:5,748,307, plus strand): 5'-ACGGAAAGAATGATTGCAGCCGAAGGGCTATTGTGCGATTCTCAGGAGCTGCAGGCTCTG[G>A]TAATGCTGGAGGGGGCGGGAGGGAACATAAAGATATTCAGACTAGAGATATGGAATCCTG-3'